The following is an entry in ClinVar:

ClinVar aggregate classification (germline): Benign/Likely benign. Review status: criteria provided, multiple submitters, no conflicts (2 of 4 stars). 6 submissions from 6 submitters: Benign (2); Likely benign (4). Last evaluated 2026-01-28.

Conditions:
Desmosterolosis. Identifiers: Orphanet 35107, MedGen C1865596, MONDO:0011217, OMIM 602398.

Allele frequency attached by ClinVar (database versions not stated): gnomAD exomes 0.00060 and 0.00090; ExAC 0.00106; ESP Exome Variant Server 0.00215; 1000 Genomes Project 30x 0.00219; 1000 Genomes Project 0.00220; gnomAD 0.00271 and 0.00294; TOPMed 0.00305.
gnomAD v4.1: 1,333 of 1,612,972 alleles (0.083%); highest among the groups gnomAD compares: African/African-American, 0.87%; 4 homozygotes.

Submissions (6):

Labcorp Genetics (formerly Invitae), Labcorp
Classification: Benign. Last evaluated: 2026-01-28. Review status: criteria provided, single submitter. Criteria: Invitae Variant Classification Sherloc (09022015). Collection method: clinical testing. Allele origin: germline.

CeGaT Center for Human Genetics Tuebingen
Classification: Likely benign. Last evaluated: 2025-07-01. Review status: criteria provided, single submitter. Criteria: CeGaT Center For Human Genetics Tuebingen Variant Classification Criteria Version 2. Collection method: clinical testing. Allele origin: germline. Affected: yes. Observed: 4 variant alleles.
Comment: DHCR24: BP4

Blueprint Genetics
Classification: Likely benign. Last evaluated: 2024-10-14. Review status: criteria provided, single submitter. Criteria: ACMG Guidelines, 2015. Collection method: clinical testing. Allele origin: germline.

Illumina Laboratory Services, Illumina
Classification: Likely benign for Desmosterolosis. Last evaluated: 2018-01-13. Review status: criteria provided, single submitter. Criteria: ICSL Variant Classification Criteria 13 December 2019. Collection method: clinical testing. Allele origin: germline.
Comment: This variant was observed in the ICSL laboratory as part of a predisposition screen in an ostensibly healthy population. It had not been previously curated by ICSL or reported in the Human Gene Mutation Database (HGMD: prior to June 1st, 2018), and was therefore a candidate for classification through an automated scoring system. Utilizing variant allele frequency, disease prevalence and penetrance estimates, and inheritance mode, an automated score was calculated to assess if this variant is too frequent to cause the disease. Based on the score and internal cut-off values, a variant classified as likely benign is not then subjected to further curation. The score for this variant resulted in a classification of likely benign for this disease.

Eurofins Ntd Llc (ga)
Classification: Benign. Last evaluated: 2015-11-18. Review status: criteria provided, single submitter. Criteria: EGL Classification Definitions 2015. Collection method: clinical testing. Allele origin: germline. Observed: 1 variant allele, 1 heterozygote.

Breakthrough Genomics
Classification: Likely benign. Review status: criteria provided, single submitter. Criteria: ACMG Guidelines, 2015. Collection method: not provided. Allele origin: germline. Inheritance: Autosomal recessive inheritance. Affected: yes.

NM_014762.4(DHCR24):c.81C>T (p.Leu27=)

Gene: DHCR24 (24-dehydrocholesterol reductase; minus strand). Cytogenetic location: 1p32.3.
Variant type: single nucleotide variant.
Coding change: c.81C>T on transcript NM_014762.4 (MANE Select); coding-DNA position 81, C replaced by T.
Protein change: p.Leu27=; no amino-acid change (leucine 27 retained).
Molecular consequence: synonymous variant.
Genome position (GRCh38, 1-based): chr1:54,887,039, G>A on the plus strand (C>T on the coding strand, the complement: DHCR24 is on the minus strand). VCF-style: chr1-54887039-G-A. GRCh37 (hg19) VCF-style: chr1-55352712-G-A.
Identifiers: ClinVar variation 284623 (VCV000284623.54), dbSNP rs140995590, ClinGen allele CA870925.